The following is an entry in ClinVar:

ClinVar aggregate classification (germline): Uncertain significance (1 of 4 stars; one submission).

Conditions:
Hereditary cancer-predisposing syndrome. Also called: Hereditary neoplastic syndrome; Neoplastic Syndromes, Hereditary; Tumor predisposition; Hereditary Cancer Syndrome. Identifiers: Orphanet 140162, MedGen C0027672, MeSH D009386, MONDO:0015356.

Submission:

Ambry Genetics
Classification: Uncertain significance for Hereditary cancer-predisposing syndrome. Last evaluated: 2025-03-03. Review status: criteria provided, single submitter. Criteria: Ambry Variant Classification Scheme 2023. Collection method: clinical testing. Allele origin: germline.
Comment: The p.W1024R variant (also known as c.3070T>C), located in coding exon 18 of the DICER1 gene, results from a T to C substitution at nucleotide position 3070. The tryptophan at codon 1024 is replaced by arginine, an amino acid with dissimilar properties. This amino acid position is conserved. In addition, the in silico prediction for this alteration is inconclusive. Based on the available evidence, the clinical significance of this variant remains unclear.

NM_177438.3(DICER1):c.3070T>C (p.Trp1024Arg)

Gene: DICER1 (dicer 1, ribonuclease III; minus strand). Cytogenetic location: 14q32.13.
Variant type: single nucleotide variant.
Coding change: c.3070T>C on transcript NM_177438.3 (MANE Select); coding-DNA position 3070, T replaced by C.
Protein change: p.Trp1024Arg; replaces tryptophan 1024 with arginine.
Molecular consequence: missense variant. On other transcripts: non-coding transcript variant (6).
Genome position (GRCh38, 1-based): chr14:95,105,701, A>G on the plus strand (T>C on the coding strand, the complement: DICER1 is on the minus strand). VCF-style: chr14-95105701-A-G. GRCh37 (hg19) VCF-style: chr14-95572038-A-G.
Other names: c.3070T>C, p.Trp1024Arg (NM_001195573.1, NM_001271282.3, NM_001291628.2 and 12 more transcripts); c.2788T>C, p.Trp930Arg (NM_001395686.1); c.2665T>C, p.Trp889Arg (NM_001395687.1, NM_001395688.1, NM_001395689.1 and 2 more transcripts); c.2503T>C, p.Trp835Arg (NM_001395691.1); c.1387T>C, p.Trp463Arg (NM_001395697.1); short protein forms W463R, W889R, W1024R, W835R, W930R.
Identifiers: ClinVar variation 3840050 (VCV003840050.1).